The following is an entry in ClinVar:

ClinVar aggregate classification (germline): Uncertain significance. Review status: criteria provided, multiple submitters, no conflicts (2 of 4 stars). 4 submissions from 4 submitters: Uncertain significance (4). Last evaluated 2025-12-31.

Conditions:
Cardiovascular phenotype. Identifiers: MedGen CN230736.
Familial isolated arrhythmogenic right ventricular dysplasia. Identifiers: Orphanet 217656, MedGen C4274968, MONDO:0016342.
Cardiomyopathy (CMYO). Also called: Cardiomyopathies. Identifiers: Orphanet 167848, MedGen C0878544, MONDO:0004994, HP:0001638. Inheritance: Various modes of inheritance.
Arrhythmogenic right ventricular dysplasia 11. Also called: ARRHYTHMOGENIC RIGHT VENTRICULAR DYSPLASIA, FAMILIAL, 11; Arrhythmogenic Right Ventricular Dysplasia/Cardiomyopathy11; Arrhythmogenic right ventricular dysplasia 11 with mild palmoplantar keratoderma and woolly hair. Identifiers: MedGen C1864850, MONDO:0012506, OMIM 610476.

Allele frequency attached by ClinVar (database versions not stated): ExAC 0.00001; TOPMed 0.00001.
gnomAD v4.1: 9 of 1,613,968 alleles (0.00056%); highest among the groups gnomAD compares: East Asian, 0.0022%; no homozygotes.

Submissions (4):

Labcorp Genetics (formerly Invitae), Labcorp
Classification: Uncertain significance for Arrhythmogenic right ventricular dysplasia 11. Last evaluated: 2025-12-31. Review status: criteria provided, single submitter. Criteria: Invitae Variant Classification Sherloc (09022015). Collection method: clinical testing. Allele origin: germline.
Comment: This sequence change replaces serine, which is neutral and polar, with leucine, which is neutral and non-polar, at codon 143 of the DSC2 protein (p.Ser143Leu). This variant is present in population databases (rs769576778, gnomAD 0.003%). This variant has not been reported in the literature in individuals affected with DSC2-related conditions. ClinVar contains an entry for this variant (Variation ID: 922285). Invitae Evidence Modeling of protein sequence and biophysical properties (such as structural, functional, and spatial information, amino acid conservation, physicochemical variation, residue mobility, and thermodynamic stability) has been performed for this missense variant. However, the output from this modeling did not meet the statistical confidence thresholds required to predict the impact of this variant on DSC2 protein function. In summary, the available evidence is currently insufficient to determine the role of this variant in disease. Therefore, it has been classified as a Variant of Uncertain Significance.

Ambry Genetics
Classification: Uncertain significance for Cardiovascular phenotype. Last evaluated: 2025-12-22. Review status: criteria provided, single submitter. Criteria: Ambry Variant Classification Scheme 2023. Collection method: clinical testing. Allele origin: germline.
Comment: The p.S143L variant (also known as c.428C>T), located in coding exon 4 of the DSC2 gene, results from a C to T substitution at nucleotide position 428. The serine at codon 143 is replaced by leucine, an amino acid with dissimilar properties. This amino acid position is well conserved in available vertebrate species. In addition, the in silico prediction for this alteration is inconclusive. Based on the available evidence, the clinical significance of this variant remains unclear.

Color Diagnostics, LLC DBA Color Health
Classification: Uncertain significance for Cardiomyopathy. Last evaluated: 2024-03-07. Review status: criteria provided, single submitter. Criteria: ACMG Guidelines, 2015. Collection method: clinical testing. Allele origin: germline.
Comment: This missense variant replaces serine with leucine at codon 143 of the DSC2 protein. Computational prediction suggests that this variant may not impact protein structure and function (internally defined REVEL score threshold <= 0.5, PMID: 27666373). To our knowledge, functional studies have not been reported for this variant. This variant has not been reported in individuals affected with DSC2-related disorders in the literature. This variant has been identified in 3/251298 chromosomes in the general population by the Genome Aggregation Database (gnomAD). The available evidence is insufficient to determine the role of this variant in disease conclusively. Therefore, this variant is classified as a Variant of Uncertain Significance.

All of Us Research Program, National Institutes of Health
Classification: Uncertain significance for Familial isolated arrhythmogenic right ventricular dysplasia. Last evaluated: 2023-03-23. Review status: criteria provided, single submitter. Criteria: ACMG Guidelines, 2015. Collection method: clinical testing. Allele origin: germline. Inheritance: Autosomal dominant inheritance. Observed: 1 variant allele, 1 heterozygote.
Comment: This missense variant replaces serine with leucine at codon 143 of the DSC2 protein. Computational prediction suggests that this variant may not impact protein structure and function (internally defined REVEL score threshold <= 0.5, PMID: 27666373). Splice site prediction tools suggest that this variant may not impact RNA splicing. To our knowledge, functional studies have not been performed for this variant. This variant has not been reported in individuals affected with cardiovascular disorders in the literature. This variant has been identified in 3/251298 chromosomes in the general population by the Genome Aggregation Database (gnomAD). The available evidence is insufficient to determine the role of this variant in disease conclusively. Therefore, this variant is classified as a Variant of Uncertain Significance.

This study involves interpretation of variants in research participants for the purpose of population health screening. Participant phenotype was not available at the time of variant classification. Additional details can be found in publication PMID: 35346344, PMCID: PMC8962531

NM_024422.6(DSC2):c.428C>T (p.Ser143Leu)

Gene: DSC2 (desmocollin 2; minus strand). Cytogenetic location: 18q12.1.
Variant type: single nucleotide variant.
Coding change: c.428C>T on transcript NM_024422.6 (MANE Select); coding-DNA position 428, C replaced by T.
Protein change: p.Ser143Leu; replaces serine 143 with leucine.
Molecular consequence: missense variant.
Genome position (GRCh38, 1-based): chr18:31,091,074, G>A on the plus strand (C>T on the coding strand, the complement: DSC2 is on the minus strand). VCF-style: chr18-31091074-G-A. GRCh37 (hg19) VCF-style: chr18-28671037-G-A.
Other names: c.428C>T, p.Ser143Leu (NM_004949.5); short protein forms S143L.
Identifiers: ClinVar variation 922285 (VCV000922285.14), dbSNP rs769576778, ClinGen allele CA038363.